The following is an entry in ClinVar:

ClinVar aggregate classification (germline): Uncertain significance. Review status: criteria provided, multiple submitters, no conflicts (2 of 4 stars). 3 submissions from 3 submitters: Uncertain significance (3). Last evaluated 2025-04-15.

Conditions:
Inborn genetic diseases. Identifiers: MedGen C0950123, MeSH D030342.

Allele frequency attached by ClinVar (database versions not stated): gnomAD 0.00001.
gnomAD v4.1: 14 of 1,440,908 alleles (0.00097%); highest among the groups gnomAD compares: Admixed American, 0.0024%; no homozygotes.

Submissions (3):

Ambry Genetics
Classification: Uncertain significance for Inborn genetic diseases. Last evaluated: 2025-04-15. Review status: criteria provided, single submitter. Criteria: Ambry Variant Classification Scheme 2023. Collection method: clinical testing. Allele origin: germline.

Blueprint Genetics
Classification: Uncertain significance. Last evaluated: 2024-09-24. Review status: criteria provided, single submitter. Criteria: ACMG Guidelines, 2015. Collection method: clinical testing. Allele origin: germline.

Labcorp Genetics (formerly Invitae), Labcorp
Classification: Uncertain significance. Last evaluated: 2022-03-24. Review status: criteria provided, single submitter. Criteria: Invitae Variant Classification Sherloc (09022015). Collection method: clinical testing. Allele origin: germline.
Comment: In summary, the available evidence is currently insufficient to determine the role of this variant in disease. Therefore, it has been classified as a Variant of Uncertain Significance. Advanced modeling of protein sequence and biophysical properties (such as structural, functional, and spatial information, amino acid conservation, physicochemical variation, residue mobility, and thermodynamic stability) performed at Invitae indicates that this missense variant is not expected to disrupt GRM6 protein function. This variant has not been reported in the literature in individuals affected with GRM6-related conditions. This variant is present in population databases (no rsID available, gnomAD 0.005%). This sequence change replaces histidine, which is basic and polar, with glutamine, which is neutral and polar, at codon 67 of the GRM6 protein (p.His67Gln).

NM_000843.4(GRM6):c.201C>A (p.His67Gln)

Gene: GRM6 (glutamate metabotropic receptor 6; minus strand). Cytogenetic location: 5q35.3.
Variant type: single nucleotide variant.
Coding change: c.201C>A on transcript NM_000843.4 (MANE Select); coding-DNA position 201, C replaced by A.
Protein change: p.His67Gln; replaces histidine 67 with glutamine.
Molecular consequence: missense variant.
Genome position (GRCh38, 1-based): chr5:178,994,744, G>T on the plus strand (C>A on the coding strand, the complement: GRM6 is on the minus strand). VCF-style: chr5-178994744-G-T. GRCh37 (hg19) VCF-style: chr5-178421745-G-T.
Other names: c.201C>A (NM_000843.3); short protein forms H67Q.
Identifiers: ClinVar variation 2196529 (VCV002196529.6), dbSNP rs1415659265, ClinGen allele CA362436868.
Genomic context (GRCh38, chr5:178,994,744, plus strand): 5'-GGGCAGCAGCTCGGGGTCGGCGTTGACGCGGTCCAGCGCGTACAGCATGGCCTCCAGCCG[G>T]TGCACGCCCTGCTCCTTCTTCAGCTGCCCGCACGCCCGGCCCGCCGCGCCCCGCGCGTGC-3'
Protein context (NP_000834.2, residues 57-77): CGQLKKEQGV[His67Gln]RLEAMLYALD